The following is an entry in ClinVar:

ClinVar aggregate classification (germline): Conflicting classifications of pathogenicity. Review status: criteria provided, conflicting classifications (1 of 4 stars). 2 submissions from 2 submitters: Uncertain significance (1); Likely benign (1). Last evaluated 2025-10-01.

Conditions:
Inborn genetic diseases. Identifiers: MedGen C0950123, MeSH D030342.
Hereditary spastic paraplegia 30. Identifiers: Orphanet 101010, MedGen C5235139, MONDO:0012476.
Neuropathy, hereditary sensory, type 2C. Also called: Hereditary sensory and autonomic neuropathy type IIC; KIF1A-Related HSAN2 (HSAN2C). Identifiers: Orphanet 970, MedGen C3280168, MONDO:0013634, OMIM 614213.
Intellectual disability, autosomal dominant 9 (NESCAVS). Also called: NESCAV SYNDROME; KIF1A-Related Neurodevelopmental Disorder. Identifiers: Orphanet 662367, MedGen C5393830, MONDO:0013656, OMIM 614255.

Allele frequency attached by ClinVar (database versions not stated): gnomAD 0.00001; ExAC 0.00004; gnomAD exomes 0.00004; ESP Exome Variant Server 0.00008.
gnomAD v4.1: 38 of 1,568,800 alleles (0.0024%); highest among the groups gnomAD compares: South Asian, 0.013%; no homozygotes.

Submissions (2):

Labcorp Genetics (formerly Invitae), Labcorp
Classification: Likely benign for Hereditary spastic paraplegia 30; Neuropathy, hereditary sensory, type 2C; Intellectual disability, autosomal dominant 9. Last evaluated: 2025-10-01. Review status: criteria provided, single submitter. Criteria: Invitae Variant Classification Sherloc (09022015). Collection method: clinical testing. Allele origin: germline.

Ambry Genetics
Classification: Uncertain significance for Inborn genetic diseases. Last evaluated: 2022-03-11. Review status: criteria provided, single submitter. Criteria: Ambry Variant Classification Scheme 2023. Collection method: clinical testing. Allele origin: germline.
Comment: The p.R1034H variant (also known as c.3101G>A), located in coding exon 29 of the KIF1A gene, results from a G to A substitution at nucleotide position 3101. The arginine at codon 1034 is replaced by histidine, an amino acid with highly similar properties. This amino acid position is highly conserved in available vertebrate species. In addition, this alteration is predicted to be tolerated by in silico analysis. The evidence for this gene-disease relationship is limited; therefore, the clinical significance of this alteration is unclear.

NM_001244008.2(KIF1A):c.3101G>A (p.Arg1034His)

Gene: KIF1A (kinesin family member 1A; minus strand). Cytogenetic location: 2q37.3.
Variant type: single nucleotide variant.
Coding change: c.3101G>A on transcript NM_001244008.2 (MANE Select); coding-DNA position 3101, G replaced by A.
Protein change: p.Arg1034His; replaces arginine 1034 with histidine.
Molecular consequence: missense variant.
Genome position (GRCh38, 1-based): chr2:240,746,140, C>T on the plus strand (G>A on the coding strand, the complement: KIF1A is on the minus strand). VCF-style: chr2-240746140-C-T. GRCh37 (hg19) VCF-style: chr2-241685557-C-T.
Other names: c.2825G>A, p.Arg942His (NM_001320705.2, NM_001330289.2, NM_001379638.1); c.2900G>A, p.Arg967His (NM_001330290.2, NM_001379634.1, NM_001379635.1 and 1 more transcripts); c.3176G>A, p.Arg1059His (NM_001379631.1); c.3050G>A, p.Arg1017His (NM_001379632.1); c.3074G>A, p.Arg1025His (NM_001379633.1, NM_001379642.1, NM_001379645.1); c.2798G>A, p.Arg933His (NM_001379636.1, NM_001379639.1, NM_001379640.1 and 6 more transcripts); c.2873G>A, p.Arg958His (NM_001379637.1, NM_001379648.1); short protein forms R1059H, R1017H, R942H, R958H, R1034H, R1025H, R933H, R967H.
Identifiers: ClinVar variation 1404660 (VCV001404660.8), dbSNP rs375775494, ClinGen allele CA2207902.